The following is an entry in ClinVar:

NM_000070.3(CAPN3):c.2429A>G (p.Asn810Ser)

Gene: CAPN3 (calpain 3; plus strand). Cytogenetic location: 15q15.1.
Variant type: single nucleotide variant.
Coding change: c.2429A>G on transcript NM_000070.3 (MANE Select); coding-DNA position 2429, A replaced by G.
Protein change: p.Asn810Ser; replaces asparagine 810 with serine.
Molecular consequence: missense variant.
Genome position (GRCh38, 1-based): chr15:42,411,335, A>G. VCF-style: chr15-42411335-A-G. GRCh37 (hg19) VCF-style: chr15-42703533-A-G.
Other names: c.2411A>G, p.Asn804Ser (NM_024344.2); c.2153A>G, p.Asn718Ser (NM_173087.2); c.893A>G, p.Asn298Ser (NM_173088.2); c.434A>G, p.Asn145Ser (NM_173089.2, NM_173090.2); short protein forms N810S, N145S, N804S, N298S, N718S.
Identifiers: ClinVar variation 284068 (VCV000284068.17), dbSNP rs200485658, ClinGen allele CA7511867.

ClinVar aggregate classification (germline): Uncertain significance. Review status: criteria provided, multiple submitters, no conflicts (2 of 4 stars). 6 submissions from 6 submitters: Uncertain significance (5). 1 of the submissions does not count toward it. Last evaluated 2026-01-28.

Conditions:
Autosomal recessive limb-girdle muscular dystrophy type 2A (LGMDR1). Also called: Limb-girdle muscular dystrophy, type 2A; LEYDEN-MOEBIUS MUSCULAR DYSTROPHY; MUSCULAR DYSTROPHY, PELVOFEMORAL; Calpainopathy; Muscular dystrophy, limb-girdle, type 2A, Amish. Identifiers: Orphanet 267, MedGen C1869123, MONDO:0009675, OMIM 253600. Disease mechanism: loss of function.

Allele frequency attached by ClinVar (database versions not stated): gnomAD exomes 0.00003 and 0.00004; ExAC 0.00004; TOPMed 0.00006; gnomAD 0.00007; 1000 Genomes Project 30x 0.00016; 1000 Genomes Project 0.00020.
gnomAD v4.1: 52 of 1,614,060 alleles (0.0032%); highest among the groups gnomAD compares: Admixed American, 0.017%; no homozygotes.

Submissions (6):

Labcorp Genetics (formerly Invitae), Labcorp
Classification: Uncertain significance for Autosomal recessive limb-girdle muscular dystrophy type 2A. Last evaluated: 2026-01-28. Review status: criteria provided, single submitter. Criteria: Invitae Variant Classification Sherloc (09022015). Collection method: clinical testing. Allele origin: germline.
Comment: This sequence change replaces asparagine, which is neutral and polar, with serine, which is neutral and polar, at codon 810 of the CAPN3 protein (p.Asn810Ser). This variant is present in population databases (rs200485658, gnomAD 0.01%). This variant has not been reported in the literature in individuals affected with CAPN3-related conditions. ClinVar contains an entry for this variant (Variation ID: 284068). Invitae Evidence Modeling of protein sequence and biophysical properties (such as structural, functional, and spatial information, amino acid conservation, physicochemical variation, residue mobility, and thermodynamic stability) indicates that this missense variant is not expected to disrupt CAPN3 protein function with a negative predictive value of 80%. In summary, the available evidence is currently insufficient to determine the role of this variant in disease. Therefore, it has been classified as a Variant of Uncertain Significance.

Revvity Omics, Revvity
Classification: Uncertain significance. Last evaluated: 2024-07-16. Review status: criteria provided, single submitter. Criteria: ACMG Guidelines, 2015. Collection method: clinical testing. Allele origin: germline.

Blueprint Genetics
Classification: Uncertain significance. Last evaluated: 2023-01-05. Review status: criteria provided, single submitter. Criteria: ACMG Guidelines, 2015. Collection method: clinical testing. Allele origin: germline.

Eurofins Ntd Llc (ga)
Classification: Uncertain significance. Last evaluated: 2015-10-07. Review status: criteria provided, single submitter. Criteria: EGL Classification Definitions 2015. Collection method: clinical testing. Allele origin: germline. Observed: 2 variant alleles, 2 heterozygotes.

Juno Genomics, Hangzhou Juno Genomics, Inc
Classification: Uncertain significance for Autosomal recessive limb-girdle muscular dystrophy type 2A. Review status: criteria provided, single submitter. Criteria: ACMG Guidelines, 2015. Collection method: clinical testing. Allele origin: germline.
Comment: Absent from controls (or at extremely low frequency if recessive) in Genome Aggregation Database.;Multiple lines of computational evidence suggest no impact on gene or gene product.

Natera, Inc.
Classification: Uncertain significance for Limb-girdle muscular dystrophy type 2A. Last evaluated: 2019-10-28. Review status: no assertion criteria provided. Collection method: clinical testing. Allele origin: germline. Not counted in ClinVar's aggregate classification.